The following is an entry in ClinVar:

ClinVar aggregate classification (germline): Uncertain significance (1 of 4 stars; one submission).

Submission:

GeneDx
Classification: Uncertain significance. Last evaluated: 2026-04-03. Review status: criteria provided, single submitter. Criteria: GeneDx Variant Classification Process June 2021. Collection method: clinical testing. Allele origin: germline.
Comment: Not observed at significant frequency in large population cohorts (gnomAD); In silico analysis supports that this missense variant has a deleterious effect on protein structure/function; Has not been previously published as pathogenic or benign to our knowledge

NM_002578.5(PAK3):c.1381C>T (p.Pro461Ser)

Gene: PAK3 (p21 (RAC1) activated kinase 3; plus strand). Cytogenetic location: Xq23.
Variant type: single nucleotide variant.
Coding change: c.1381C>T on transcript NM_002578.5 (MANE Select); coding-DNA position 1381, C replaced by T.
Protein change: p.Pro461Ser; replaces proline 461 with serine.
Molecular consequence: missense variant. On other transcripts: non-coding transcript variant (2).
Genome position (GRCh38, 1-based): chrX:111,196,614, C>T. VCF-style: chrX-111196614-C-T. GRCh37 (hg19) VCF-style: chrX-110439842-C-T.
Other names: c.1381C>T, p.Pro461Ser (NM_001128166.3, NM_001128167.3, NM_001324325.2 and 5 more transcripts); c.1489C>T, p.Pro497Ser (NM_001128168.3); c.1444C>T, p.Pro482Ser (NM_001128172.2); c.1426C>T, p.Pro476Ser (NM_001128173.3, NM_001324327.2, NM_001324328.2 and 2 more transcripts); short protein forms P461S, P476S, P482S, P497S.
Identifiers: ClinVar variation 5017996 (VCV005017996.1).
Genomic context (GRCh38, chrX:111,196,614, plus strand): 5'-CCGAAAGTTGATATCTGGTCTCTTGGAATTATGGCAATTGAAATGGTGGAAGGTGAACCC[C>T]CTTACCTTAATGAAAATCCACTCAGGGTAAGTCAGAAGAGAAGTCAGGTACTTTATTCCC-3'
Protein context (NP_002569.1, residues 451-471): MAIEMVEGEP[Pro461Ser]YLNENPLRAL